The following is an entry in ClinVar:

ClinVar aggregate classification (germline): Uncertain significance. Review status: criteria provided, multiple submitters, no conflicts (2 of 4 stars). 2 submissions from 2 submitters: Uncertain significance (2). Last evaluated 2026-01-07.

Conditions:
Neurodevelopmental disorder with brain anomalies and with or without vertebral or cardiac anomalies. Identifiers: MedGen C5231481, MONDO:0032888, OMIM 618731.

gnomAD v4.1: 47 of 1,555,796 alleles (0.003%); highest among the groups gnomAD compares: Non-Finnish European, 0.0037%; no homozygotes.

Submissions (2):

Labcorp Genetics (formerly Invitae), Labcorp
Classification: Uncertain significance. Last evaluated: 2026-01-07. Review status: criteria provided, single submitter. Criteria: Invitae Variant Classification Sherloc (09022015). Collection method: clinical testing. Allele origin: germline.
Comment: This sequence change replaces proline, which is neutral and non-polar, with leucine, which is neutral and non-polar, at codon 138 of the DHX37 protein (p.Pro138Leu). The frequency data for this variant in the population databases is considered unreliable, as metrics indicate poor data quality at this position in the gnomAD database. This variant has not been reported in the literature in individuals affected with DHX37-related conditions. ClinVar contains an entry for this variant (Variation ID: 3779238). An algorithm developed to predict the effect of missense changes on protein structure and function outputs the following: PolyPhen-2: "Benign". The leucine amino acid residue is found in multiple mammalian species, which suggests that this missense change does not adversely affect protein function. In summary, the available evidence is currently insufficient to determine the role of this variant in disease. Therefore, it has been classified as a Variant of Uncertain Significance.

Department of Pathology and Laboratory Medicine, Sinai Health System
Classification: Uncertain significance for neurodevelopmental disorder with brain anomalies and with or without vertebral or cardiac anomalies. Last evaluated: 2023-08-25. Review status: criteria provided, single submitter. Criteria: ACMG Guidelines, 2015. Collection method: research. Allele origin: germline.

NM_032656.4(DHX37):c.413C>T (p.Pro138Leu)

Gene: DHX37 (DEAH-box helicase 37; minus strand). Cytogenetic location: 12q24.31.
Variant type: single nucleotide variant.
Coding change: c.413C>T on transcript NM_032656.4 (MANE Select); coding-DNA position 413, C replaced by T.
Protein change: p.Pro138Leu; replaces proline 138 with leucine.
Molecular consequence: missense variant.
Genome position (GRCh38, 1-based): chr12:124,980,815, G>A on the plus strand (C>T on the coding strand, the complement: DHX37 is on the minus strand). VCF-style: chr12-124980815-G-A. GRCh37 (hg19) VCF-style: chr12-125465361-G-A.
Other names: short protein forms P138L.
Identifiers: ClinVar variation 3779238 (VCV003779238.2).